The following is an entry in ClinVar:

NM_001199107.2(TBC1D24):c.529G>A (p.Glu177Lys)

Gene: TBC1D24 (TBC1 domain family member 24; plus strand). Cytogenetic location: 16p13.3.
Variant type: single nucleotide variant.
Coding change: c.529G>A on transcript NM_001199107.2 (MANE Select); coding-DNA position 529, G replaced by A.
Protein change: p.Glu177Lys; replaces glutamic acid 177 with lysine.
Molecular consequence: missense variant.
Genome position (GRCh38, 1-based): chr16:2,496,677, G>A. VCF-style: chr16-2496677-G-A. GRCh37 (hg19) VCF-style: chr16-2546678-G-A.
Other names: c.529G>A, p.Glu177Lys (NM_020705.3); short protein forms E177K.
Identifiers: ClinVar variation 4282359 (VCV004282359.1).

ClinVar aggregate classification (germline): Uncertain significance (1 of 4 stars; one submission).

Submission:

GeneDx
Classification: Uncertain significance. Last evaluated: 2025-04-10. Review status: criteria provided, single submitter. Criteria: GeneDx Variant Classification Process June 2021. Collection method: clinical testing. Allele origin: germline. Affected: yes.
Comment: Not observed at significant frequency in large population cohorts (gnomAD); In silico analysis supports that this missense variant has a deleterious effect on protein structure/function; Has not been previously published as pathogenic or benign to our knowledge